The following is an entry in ClinVar:

ClinVar aggregate classification (germline): Uncertain significance (1 of 4 stars; one submission).

Conditions:
Sterile multifocal osteomyelitis with periostitis and pustulosis. Also called: CHRONIC RECURRENT MULTIFOCAL OSTEOMYELITIS 2, WITH PERIOSTITIS AND PUSTULOSIS. Identifiers: Orphanet 210115, MedGen C2748507, MONDO:0013021, OMIM 612852.

Allele frequency attached by ClinVar (database versions not stated): ExAC 0.00001; gnomAD exomes 0.00001; TOPMed 0.00001.

Submission:

Labcorp Genetics (formerly Invitae), Labcorp
Classification: Uncertain significance for Sterile multifocal osteomyelitis with periostitis and pustulosis. Last evaluated: 2022-09-06. Review status: criteria provided, single submitter. Criteria: Invitae Variant Classification Sherloc (09022015). Collection method: clinical testing. Allele origin: germline.
Comment: In summary, the available evidence is currently insufficient to determine the role of this variant in disease. Therefore, it has been classified as a Variant of Uncertain Significance. Algorithms developed to predict the effect of missense changes on protein structure and function (SIFT, PolyPhen-2, Align-GVGD) all suggest that this variant is likely to be disruptive. ClinVar contains an entry for this variant (Variation ID: 839891). This variant has not been reported in the literature in individuals affected with IL1RN-related conditions. This variant is present in population databases (rs56115412, gnomAD 0.003%). This sequence change replaces valine, which is neutral and non-polar, with isoleucine, which is neutral and non-polar, at codon 159 of the IL1RN protein (p.Val159Ile).

NM_173842.3(IL1RN):c.466G>A (p.Val156Ile)

Gene: IL1RN (interleukin 1 receptor antagonist; plus strand). Cytogenetic location: 2q14.1.
Variant type: single nucleotide variant.
Coding change: c.466G>A on transcript NM_173842.3 (MANE Select); coding-DNA position 466, G replaced by A.
Protein change: p.Val156Ile; replaces valine 156 with isoleucine.
Molecular consequence: missense variant.
Genome position (GRCh38, 1-based): chr2:113,132,803, G>A. VCF-style: chr2-113132803-G-A. GRCh37 (hg19) VCF-style: chr2-113890380-G-A.
Other names: c.412G>A, p.Val138Ile (NM_000577.5); c.364G>A, p.Val122Ile (NM_001318914.2, NM_001379360.1, NM_173843.3); c.475G>A, p.Val159Ile (NM_173841.3); short protein forms V122I, V138I, V156I, V159I.
Identifiers: ClinVar variation 839891 (VCV000839891.9), dbSNP rs56115412, ClinGen allele CA1838908.